The following is an entry in ClinVar:

ClinVar aggregate classification (germline): Uncertain significance (1 of 4 stars; one submission).

Conditions:
EGFR-related lung cancer (EGFR). Identifiers: MedGen CN130014.

Submission:

Labcorp Genetics (formerly Invitae), Labcorp
Classification: Uncertain significance for EGFR-related lung cancer. Last evaluated: 2023-03-24. Review status: criteria provided, single submitter. Criteria: Invitae Variant Classification Sherloc (09022015). Collection method: clinical testing. Allele origin: germline.
Comment: This sequence change replaces leucine, which is neutral and non-polar, with isoleucine, which is neutral and non-polar, at codon 417 of the EGFR protein (p.Leu417Ile). This variant is not present in population databases (gnomAD no frequency). This variant has not been reported in the literature in individuals affected with EGFR-related conditions. Advanced modeling of protein sequence and biophysical properties (such as structural, functional, and spatial information, amino acid conservation, physicochemical variation, residue mobility, and thermodynamic stability) performed at Invitae indicates that this missense variant is not expected to disrupt EGFR protein function. In summary, the available evidence is currently insufficient to determine the role of this variant in disease. Therefore, it has been classified as a Variant of Uncertain Significance.

NM_005228.5(EGFR):c.1249C>A (p.Leu417Ile)

Gene: EGFR (epidermal growth factor receptor; plus strand). Cytogenetic location: 7p11.2.
Variant type: single nucleotide variant.
Coding change: c.1249C>A on transcript NM_005228.5 (MANE Select); coding-DNA position 1249, C replaced by A.
Protein change: p.Leu417Ile; replaces leucine 417 with isoleucine.
Molecular consequence: missense variant.
Genome position (GRCh38, 1-based): chr7:55,157,704, C>A. VCF-style: chr7-55157704-C-A. GRCh37 (hg19) VCF-style: chr7-55225397-C-A.
Other names: c.1114C>A, p.Leu372Ile (NM_001346897.2, NM_001346899.2); c.1249C>A, p.Leu417Ile (NM_001346898.2, NM_201282.2, NM_201284.2); c.1090C>A, p.Leu364Ile (NM_001346900.2); c.448C>A, p.Leu150Ile (NM_001346941.2); short protein forms L150I, L417I, L364I, L372I.
Identifiers: ClinVar variation 2849081 (VCV002849081.3), dbSNP rs2128939676, ClinGen allele CA367579180.
Genomic context (GRCh38, chr7:55,157,704, plus strand): 5'-TCTTTCATCTGCCTTACAGGGTTTTTGCTGATTCAGGCTTGGCCTGAAAACAGGACGGAC[C>A]TCCATGCCTTTGAGAACCTAGAAATCATACGCGGCAGGACCAAGCAACAGTAAGTTGACC-3'
Protein context (NP_005219.2, residues 407-427): IQAWPENRTD[Leu417Ile]HAFENLEIIR